The following is an entry in ClinVar:

ClinVar aggregate classification (germline): Uncertain significance (1 of 4 stars; one submission).

Conditions:
Menkes kinky-hair syndrome (MNK). Also called: Classic Menkes Disease; Copper transport disease; Menkes Disease. Identifiers: Orphanet 565, MedGen C0022716, MONDO:0010651, OMIM 309400.
Cutis laxa, X-linked (OHS). Also called: EDS IX; Occipital horn syndrome. Identifiers: Orphanet 198, MedGen C0268353, MONDO:0010572, OMIM 304150.
X-linked distal spinal muscular atrophy type 3. Also called: ATP7A-Related Distal Motor Neuropathy; SPINAL MUSCULAR ATROPHY, DISTAL, X-LINKED RECESSIVE; NEURONOPATHY, DISTAL HEREDITARY MOTOR, X-LINKED; NEUROPATHY, DISTAL HEREDITARY MOTOR, X-LINKED. Identifiers: Orphanet 139557, MedGen C1845359, MONDO:0010338, OMIM 300489.

Submission:

Labcorp Genetics (formerly Invitae), Labcorp
Classification: Uncertain significance for X-linked distal spinal muscular atrophy type 3; Cutis laxa, X-linked; Menkes kinky-hair syndrome. Last evaluated: 2025-07-07. Review status: criteria provided, single submitter. Criteria: Invitae Variant Classification Sherloc (09022015). Collection method: clinical testing. Allele origin: germline.
Comment: This sequence change replaces aspartic acid, which is acidic and polar, with glutamic acid, which is acidic and polar, at codon 635 of the ATP7A protein (p.Asp635Glu). This variant is not present in population databases (gnomAD no frequency). This variant has not been reported in the literature in individuals affected with ATP7A-related conditions. ClinVar contains an entry for this variant (Variation ID: 2953816). Invitae Evidence Modeling of protein sequence and biophysical properties (such as structural, functional, and spatial information, amino acid conservation, physicochemical variation, residue mobility, and thermodynamic stability) indicates that this missense variant is not expected to disrupt ATP7A protein function with a negative predictive value of 95%. In summary, the available evidence is currently insufficient to determine the role of this variant in disease. Therefore, it has been classified as a Variant of Uncertain Significance.

NM_000052.7(ATP7A):c.1905T>A (p.Asp635Glu)

Gene: ATP7A (ATPase copper transporting alpha; plus strand). Cytogenetic location: Xq21.1.
Variant type: single nucleotide variant.
Coding change: c.1905T>A on transcript NM_000052.7 (MANE Select); coding-DNA position 1905, T replaced by A.
Protein change: p.Asp635Glu; replaces aspartic acid 635 with glutamic acid.
Molecular consequence: missense variant.
Genome position (GRCh38, 1-based): chrX:78,011,211, T>A. VCF-style: chrX-78011211-T-A. GRCh37 (hg19) VCF-style: chrX-77266708-T-A.
Other names: c.1905T>A, p.Asp635Glu (NM_001282224.2); short protein forms D635E.
Identifiers: ClinVar variation 2953816 (VCV002953816.3), dbSNP rs2522348126, ClinGen allele CA413597972.